The following is an entry in ClinVar:

ClinVar aggregate classification (germline): Pathogenic (1 of 4 stars; one submission).

Conditions:
Inborn genetic diseases. Identifiers: MedGen C0950123, MeSH D030342.

Submission:

Ambry Genetics
Classification: Pathogenic for Inborn genetic diseases. Last evaluated: 2022-06-15. Review status: criteria provided, single submitter. Criteria: Ambry Variant Classification Scheme 2023. Collection method: clinical testing. Allele origin: germline.
Comment: The c.6271A>T (p.K2091*) alteration, located in exon 31 (coding exon 31) of the CREBBP gene, consists of an A to T substitution at nucleotide position 6271. This changes the amino acid from a lysine (K) to a stop codon at amino acid position 2091. This alteration occurs at the 3' terminus of the CREBBP gene, is not expected to trigger nonsense-mediated mRNA decay, and impacts the last 14% of the protein. Premature stop codons are typically deleterious in nature, a significant portion of the protein is affected, and a downstream truncating alteration, p.Y2108*, has been reported as disease-causing (Sentchordi-Montan&eacute;, 2021; Ambry internal data). This variant was not reported in population-based cohorts in the Genome Aggregation Database (gnomAD). Based on the available evidence, this alteration is classified as pathogenic.

Literature cited by the submitters: PubMed 34516402.

NM_004380.3(CREBBP):c.6271A>T (p.Lys2091Ter)

Gene: CREBBP (CREB binding protein; minus strand). Cytogenetic location: 16p13.3.
Variant type: single nucleotide variant.
Coding change: c.6271A>T on transcript NM_004380.3 (MANE Select); coding-DNA position 6271, A replaced by T.
Protein change: p.Lys2091Ter; replaces lysine 2091 with a stop codon.
Molecular consequence: nonsense.
Genome position (GRCh38, 1-based): chr16:3,728,776, T>A on the plus strand (A>T on the coding strand, the complement: CREBBP is on the minus strand). VCF-style: chr16-3728776-T-A. GRCh37 (hg19) VCF-style: chr16-3778777-T-A.
Other names: c.6157A>T, p.Lys2053Ter (NM_001079846.1); short protein forms K2053*, K2091*.
Identifiers: ClinVar variation 2287801 (VCV002287801.2), dbSNP rs2548346230, ClinGen allele CA394553754.